The following is an entry in ClinVar:

ClinVar aggregate classification (germline): Uncertain significance (1 of 4 stars; one submission).

Submission:

GeneDx
Classification: Uncertain significance. Last evaluated: 2022-12-09. Review status: criteria provided, single submitter. Criteria: GeneDx Variant Classification Process June 2021. Collection method: clinical testing. Allele origin: germline. Affected: yes.
Comment: Not observed at significant frequency in large population cohorts (gnomAD); Normal stop codon changed to a Arginine codon, leading to the addition of 40 amino acids at the C-terminus; Has not been previously published as pathogenic or benign to our knowledge

NM_000237.3(LPL):c.1426T>C (p.Ter476Arg)

Gene: LPL (lipoprotein lipase; plus strand). Cytogenetic location: 8p21.3.
Variant type: single nucleotide variant.
Coding change: c.1426T>C on transcript NM_000237.3 (MANE Select); coding-DNA position 1426, T replaced by C.
Protein change: p.Ter476Arg.
Molecular consequence: stop lost.
Genome position (GRCh38, 1-based): chr8:19,962,218, T>C. VCF-style: chr8-19962218-T-C. GRCh37 (hg19) VCF-style: chr8-19819729-T-C.
Identifiers: ClinVar variation 2504783 (VCV002504783.1), dbSNP rs2540112703, ClinGen allele CA370639161.